The following is an entry in ClinVar:

NM_001401501.2(MUC16):c.34484G>A (p.Gly11495Asp)

Gene: MUC16 (mucin 16, cell surface associated; minus strand). Cytogenetic location: 19p13.2.
Variant type: single nucleotide variant.
Coding change: c.34484G>A on transcript NM_001401501.2 (MANE Select); coding-DNA position 34484, G replaced by A.
Protein change: p.Gly11495Asp; replaces glycine 11495 with aspartic acid.
Molecular consequence: missense variant.
Genome position (GRCh38, 1-based): chr19:8,936,591, C>T on the plus strand (G>A on the coding strand, the complement: MUC16 is on the minus strand). VCF-style: chr19-8936591-C-T. GRCh37 (hg19) VCF-style: chr19-9047267-C-T.
Other names: c.34910G>A, p.Gly11637Asp (NM_001414686.1); c.34364G>A, p.Gly11455Asp (NM_001414687.1, NM_024690.2); short protein forms G11455D, G11495D, G11637D.
Identifiers: ClinVar variation 3056583 (VCV003056583.2), dbSNP rs10410169, ClinGen allele CA9166243.

ClinVar aggregate classification (germline): Benign (0 of 4 stars; one submission).

Conditions:
MUC16-related disorder. Also called: MUC16-related condition.

Allele frequency attached by ClinVar (database versions not stated): 1000 Genomes Project 30x 0.18832; 1000 Genomes Project 0.18950; TOPMed 0.24262; gnomAD 0.25218; ExAC 0.25853; ESP Exome Variant Server 0.26478; gnomAD exomes 0.28457.

Submission:

PreventionGenetics, part of Exact Sciences
Classification: Benign for MUC16-related condition. Last evaluated: 2019-11-11. Review status: no assertion criteria provided. Collection method: clinical testing. Allele origin: germline.
Comment: This variant is classified as benign based on ACMG/AMP sequence variant interpretation guidelines (Richards et al. 2015 PMID: 25741868, with internal and published modifications).